The following is an entry in ClinVar:

NM_017547.4(FOXRED1):c.10A>G (p.Arg4Gly)

Genes: FOXRED1 (FAD dependent oxidoreductase domain containing 1; plus strand), LOC130007026 (ATAC-STARR-seq lymphoblastoid active region 5705; plus strand). Cytogenetic location: 11q24.2.
Variant type: single nucleotide variant.
Coding change: c.10A>G on transcript NM_017547.4 (MANE Select); coding-DNA position 10, A replaced by G.
Protein change: p.Arg4Gly; replaces arginine 4 with glycine.
Molecular consequence: missense variant. On other transcripts: non-coding transcript variant (2).
Genome position (GRCh38, 1-based): chr11:126,269,216, A>G. VCF-style: chr11-126269216-A-G. GRCh37 (hg19) VCF-style: chr11-126139111-A-G.
Other names: p.R4G:AGG>GGG; short protein forms R4G.
Identifiers: ClinVar variation 214439 (VCV000214439.8), dbSNP rs149883459, ClinGen allele CA323083.

ClinVar aggregate classification (germline): Uncertain significance. Review status: criteria provided, multiple submitters, no conflicts (2 of 4 stars). 3 submissions from 3 submitters: Uncertain significance (3). Last evaluated 2024-11-05.

Conditions:
Mitochondrial complex I deficiency, nuclear type 1. Also called: NADH-COENZYME Q REDUCTASE DEFICIENCY; MITOCHONDRIAL NADH DEHYDROGENASE COMPONENT OF COMPLEX I, DEFICIENCY OF. Identifiers: MedGen C6022305, MONDO:0100224, OMIM 252010.

Allele frequency attached by ClinVar (database versions not stated): gnomAD 0.00013; TOPMed 0.00044; 1000 Genomes Project 30x 0.00062; 1000 Genomes Project 0.00080.
gnomAD v4.1: 109 of 1,613,540 alleles (0.0068%); highest among the groups gnomAD compares: East Asian, 0.23%; no homozygotes.

Submissions (3):

Labcorp Genetics (formerly Invitae), Labcorp
Classification: Uncertain significance. Last evaluated: 2024-11-05. Review status: criteria provided, single submitter. Criteria: Invitae Variant Classification Sherloc (09022015). Collection method: clinical testing. Allele origin: germline.
Comment: This sequence change replaces arginine, which is basic and polar, with glycine, which is neutral and non-polar, at codon 4 of the FOXRED1 protein (p.Arg4Gly). This variant is present in population databases (rs149883459, gnomAD 0.2%). This missense change has been observed in individual(s) with FOXRED1-related conditions (PMID: 36307859). ClinVar contains an entry for this variant (Variation ID: 214439). An algorithm developed to predict the effect of missense changes on protein structure and function outputs the following: PolyPhen-2: "Benign". The glycine amino acid residue is found in multiple mammalian species, which suggests that this missense change does not adversely affect protein function. In summary, the available evidence is currently insufficient to determine the role of this variant in disease. Therefore, it has been classified as a Variant of Uncertain Significance.

GeneDx
Classification: Uncertain significance. Last evaluated: 2022-02-18. Review status: criteria provided, single submitter. Criteria: GeneDx Variant Classification Process June 2021. Collection method: clinical testing. Allele origin: germline. Affected: yes.
Comment: In silico analysis supports that this missense variant does not alter protein structure/function; Has not been previously published as pathogenic or benign to our knowledge

Illumina Laboratory Services, Illumina
Classification: Uncertain significance for Mitochondrial complex I deficiency, nuclear type 1. Last evaluated: 2018-01-13. Review status: criteria provided, single submitter. Criteria: ICSL Variant Classification Criteria 13 December 2019. Collection method: clinical testing. Allele origin: germline.

Literature cited by the submitters: PubMed 36307859 (cited by Labcorp Genetics (formerly Invitae), Labcorp).